The following is an entry in ClinVar:

ClinVar aggregate classification (germline): Likely pathogenic (1 of 4 stars; one submission).

Conditions:
Acid sphingomyelinase deficiency. Identifiers: Orphanet 618899, MedGen C5243927, MONDO:0100464.

Submission:

Myriad Genetics, Inc.
Classification: Likely pathogenic for Acid sphingomyelinase deficiency. Last evaluated: 2026-02-24. Review status: criteria provided, single submitter. Criteria: Myriad Autosomal Dominant, Autosomal Recessive and X-Linked Classification Criteria (2023). Collection method: clinical testing. Allele origin: unknown.
Comment: NM_000543.4(SMPD1):c.1263+1G>C is a variant in a canonical splice site classified as likely pathogenic in the context of Niemann-Pick disease, SMPD1-related. c.1263+1G>C has not been observed in cases with relevant disease. Relevant functional assessments of this variant are not available in the literature. c.1263+1G>C has not been observed in referenced population frequency databases. In summary, NM_000543.4(SMPD1):c.1263+1G>C is a variant in a canonical splice site in a gene where loss of function is a known mechanism of disease and is predicted to disrupt protein function. Please note: this variant was assessed in the context of healthy population screening.

NM_000543.5(SMPD1):c.1263+1G>C

Gene: SMPD1 (sphingomyelin phosphodiesterase 1; plus strand). Cytogenetic location: 11p15.4.
Variant type: single nucleotide variant.
Coding change: c.1263+1G>C on transcript NM_000543.5 (MANE Select); the canonical splice donor site of the intron after coding-DNA position 1263, G replaced by C.
Molecular consequence: splice donor variant. On other transcripts: intron variant (1).
Genome position (GRCh38, 1-based): chr11:6,393,388, G>C. VCF-style: chr11-6393388-G-C. GRCh37 (hg19) VCF-style: chr11-6414618-G-C.
Other names: c.342+1G>C (NM_001318088.2); c.1132-229G>C (NM_001365135.2); c.1263+1G>C (NM_001318087.2); c.1260+1G>C (NM_001007593.3).
Identifiers: ClinVar variation 5004480 (VCV005004480.1).
Genomic context (GRCh38, chr11:6,393,388, plus strand): 5'-GCAGGACAGCTCCAGTGGCTGGTGGGGGAGCTTCAGGCTGCTGAGGATCGAGGAGACAAA[G>C]TGAGGGCCAGTAGTGGGAACACGGTGGTGCTGGGGGACAAGCAGGCTCCTGTTGAGCTGG-3'